The following is an entry in ClinVar:

NM_032833.5(PPP1R15B):c.189G>C (p.Trp63Cys)

Gene: PPP1R15B (protein phosphatase 1 regulatory subunit 15B; minus strand). Cytogenetic location: 1q32.1.
Variant type: single nucleotide variant.
Coding change: c.189G>C on transcript NM_032833.5 (MANE Select); coding-DNA position 189, G replaced by C.
Protein change: p.Trp63Cys; replaces tryptophan 63 with cysteine.
Molecular consequence: missense variant.
Genome position (GRCh38, 1-based): chr1:204,411,223, C>G on the plus strand (G>C on the coding strand, the complement: PPP1R15B is on the minus strand). VCF-style: chr1-204411223-C-G. GRCh37 (hg19) VCF-style: chr1-204380351-C-G.
Other names: short protein forms W63C.
Identifiers: ClinVar variation 2398132 (VCV002398132.5), dbSNP rs762933941, ClinGen allele CA1346878.

ClinVar aggregate classification (germline): Uncertain significance. Review status: criteria provided, multiple submitters, no conflicts (2 of 4 stars). 2 submissions from 2 submitters: Uncertain significance (2). Last evaluated 2023-03-07.

Conditions:
Inborn genetic diseases. Identifiers: MedGen C0950123, MeSH D030342.

Allele frequency attached by ClinVar (database versions not stated): gnomAD 0.00001; TOPMed 0.00002; ExAC 0.00003; gnomAD exomes 0.00005.
gnomAD v4.1: 74 of 1,614,128 alleles (0.0046%); highest among the groups gnomAD compares: Non-Finnish European, 0.0061%; no homozygotes.

Submissions (2):

Labcorp Genetics (formerly Invitae), Labcorp
Classification: Uncertain significance. Last evaluated: 2023-03-07. Review status: criteria provided, single submitter. Criteria: Invitae Variant Classification Sherloc (09022015). Collection method: clinical testing. Allele origin: germline.
Comment: ClinVar contains an entry for this variant (Variation ID: 2398132). In summary, the available evidence is currently insufficient to determine the role of this variant in disease. Therefore, it has been classified as a Variant of Uncertain Significance. Advanced modeling of protein sequence and biophysical properties (such as structural, functional, and spatial information, amino acid conservation, physicochemical variation, residue mobility, and thermodynamic stability) performed at Invitae indicates that this missense variant is expected to disrupt PPP1R15B protein function. This variant has not been reported in the literature in individuals affected with PPP1R15B-related conditions. This variant is present in population databases (rs762933941, gnomAD 0.007%). This sequence change replaces tryptophan, which is neutral and slightly polar, with cysteine, which is neutral and slightly polar, at codon 63 of the PPP1R15B protein (p.Trp63Cys).

Ambry Genetics
Classification: Uncertain significance for Inborn genetic diseases. Last evaluated: 2021-09-15. Review status: criteria provided, single submitter. Criteria: Ambry Variant Classification Scheme 2023. Collection method: clinical testing. Allele origin: germline.